The following is an entry in ClinVar:

ClinVar aggregate classification (germline): Uncertain significance (1 of 4 stars; one submission).

gnomAD v4.1: 1 of 1,613,854 alleles (0.000062%); highest among the groups gnomAD compares: Non-Finnish European, 0.000085%; no homozygotes.

Submission:

Ambry Genetics
Classification: Uncertain significance. Last evaluated: 2026-06-25. Review status: criteria provided, single submitter. Criteria: Ambry Variant Classification Scheme 2023. Collection method: clinical testing. Allele origin: germline.
Comment: The p.L121P variant (also known as c.362T>C), located in coding exon 4 of the RINT1 gene, results from a T to C substitution at nucleotide position 362. The leucine at codon 121 is replaced by proline, an amino acid with similar properties. This amino acid position is conserved. In addition, the in silico prediction for this alteration is inconclusive. Based on the available evidence, the clinical significance of this variant remains unclear.

NM_021930.6(RINT1):c.362T>C (p.Leu121Pro)

Gene: RINT1 (RAD50 interactor 1; plus strand). Cytogenetic location: 7q22.3.
Variant type: single nucleotide variant.
Coding change: c.362T>C on transcript NM_021930.6 (MANE Select); coding-DNA position 362, T replaced by C.
Protein change: p.Leu121Pro; replaces leucine 121 with proline.
Molecular consequence: missense variant. On other transcripts: 5 prime UTR variant (3), non-coding transcript variant (1).
Genome position (GRCh38, 1-based): chr7:105,542,496, T>C. VCF-style: chr7-105542496-T-C. GRCh37 (hg19) VCF-style: chr7-105182943-T-C.
Other names: c.128T>C, p.Leu43Pro (NM_001346599.2); c.-658T>C (NM_001346600.2); c.-561T>C (NM_001346601.2); c.-181T>C (NM_001346603.2); short protein forms L43P, L121P.
Identifiers: ClinVar variation 5028265 (VCV005028265.1).